The following is an entry in ClinVar:

NM_020070.4(IGLL1):c.179G>A (p.Arg60Gln)

Gene: IGLL1 (immunoglobulin lambda like polypeptide 1; minus strand). Cytogenetic location: 22q11.23.
Variant type: single nucleotide variant.
Coding change: c.179G>A on transcript NM_020070.4 (MANE Select); coding-DNA position 179, G replaced by A.
Protein change: p.Arg60Gln; replaces arginine 60 with glutamine.
Molecular consequence: missense variant.
Genome position (GRCh38, 1-based): chr22:23,580,012, C>T on the plus strand (G>A on the coding strand, the complement: IGLL1 is on the minus strand). VCF-style: chr22-23580012-C-T. GRCh37 (hg19) VCF-style: chr22-23922199-C-T.
Other names: c.179G>A, p.Arg60Gln (NM_001369906.1, NM_152855.3); short protein forms R60Q.
Identifiers: ClinVar variation 2057233 (VCV002057233.5), dbSNP rs896708154, ClinGen allele CA322557996.

ClinVar aggregate classification (germline): Uncertain significance. Review status: criteria provided, multiple submitters, no conflicts (2 of 4 stars). 2 submissions from 2 submitters: Uncertain significance (2). Last evaluated 2025-10-07.

Conditions:
Agammaglobulinemia 2, autosomal recessive (AGM2). Also called: AGAMMAGLOBULINEMIA, AUTOSOMAL RECESSIVE, DUE TO IGLL1 DEFECT. Identifiers: MedGen C3150750, MONDO:0013287, OMIM 613500.

Allele frequency attached by ClinVar (database versions not stated): gnomAD exomes 0.00001; gnomAD 0.00001.

Submissions (2):

Ambry Genetics
Classification: Uncertain significance. Last evaluated: 2025-10-07. Review status: criteria provided, single submitter. Criteria: Ambry Variant Classification Scheme 2023. Collection method: clinical testing. Allele origin: germline.

Labcorp Genetics (formerly Invitae), Labcorp
Classification: Uncertain significance for Agammaglobulinemia 2, autosomal recessive. Last evaluated: 2024-09-05. Review status: criteria provided, single submitter. Criteria: Invitae Variant Classification Sherloc (09022015). Collection method: clinical testing. Allele origin: germline.
Comment: This sequence change replaces arginine, which is basic and polar, with glutamine, which is neutral and polar, at codon 60 of the IGLL1 protein (p.Arg60Gln). This variant is not present in population databases (gnomAD no frequency). This variant has not been reported in the literature in individuals affected with IGLL1-related conditions. ClinVar contains an entry for this variant (Variation ID: 2057233). An algorithm developed to predict the effect of missense changes on protein structure and function (PolyPhen-2) suggests that this variant is likely to be tolerated. In summary, the available evidence is currently insufficient to determine the role of this variant in disease. Therefore, it has been classified as a Variant of Uncertain Significance.